The following is an entry in ClinVar:

ClinVar aggregate classification (germline): Likely pathogenic. Review status: criteria provided, multiple submitters, no conflicts (2 of 4 stars). 2 submissions from 2 submitters: Likely pathogenic (2). Last evaluated 2024-10-04.

Conditions:
Isolated microphthalmia 8. Identifiers: Orphanet 2542, MedGen C3554524, MONDO:0014050, OMIM 615113.
Microphthalmia. Also called: Microphthalmos. Identifiers: MedGen C0026010, MONDO:0021129, HP:0000568.

Allele frequency attached by ClinVar (database versions not stated): 1000 Genomes Project 0.00020; 1000 Genomes Project 30x 0.00031.
gnomAD v4.1: 30 of 1,614,194 alleles (0.0019%); highest among the groups gnomAD compares: Non-Finnish European, 0.0021%; no homozygotes.

Submissions (2):

Dubai Health Genomic Medicine Center, Dubai Health
Classification: Likely pathogenic for Microphthalmia. Last evaluated: 2024-10-04. Review status: criteria provided, single submitter. Criteria: ACMG Guidelines, 2015. Collection method: research. Allele origin: germline. Affected: yes.
Comment: PM2,PP3,PM5,PM3

Molecular Genetics of Human Eye Development, Oxford Brookes University
Classification: Likely pathogenic for Isolated microphthalmia 8. Last evaluated: 2022-09-01. Review status: criteria provided, single submitter. Criteria: ACMG Guidelines, 2015. Collection method: research. Allele origin: inherited. Affected: yes. Observed: 1 variant allele.
Comment: compound heterozygous with NM_000693.4:c.1459A>G

NM_000693.4(ALDH1A3):c.845G>C (p.Gly282Ala)

Genes: ALDH1A3 (aldehyde dehydrogenase 1 family member A3; plus strand), ALDH1A3-AS1 (ALDH1A3 antisense RNA 1; minus strand). Cytogenetic location: 15q26.3.
Variant type: single nucleotide variant.
Coding change: c.845G>C on transcript NM_000693.4 (MANE Select); coding-DNA position 845, G replaced by C.
Protein change: p.Gly282Ala; replaces glycine 282 with alanine.
Molecular consequence: missense variant.
Genome position (GRCh38, 1-based): chr15:100,898,147, G>C. VCF-style: chr15-100898147-G-C. GRCh37 (hg19) VCF-style: chr15-101438352-G-C.
Other names: c.524G>C, p.Gly175Ala (NM_001293815.2); short protein forms G175A, G282A.
Identifiers: ClinVar variation 1802998 (VCV001802998.3), dbSNP rs547918064, ClinGen allele CA7760224.
Genomic context (GRCh38, chr15:100,898,147, plus strand): 5'-GAAAACTGGTTAAAGAAGCTGCGTCCCGGAGCAATCTGAAGCGGGTGACGCTGGAGCTGG[G>C]GGGGAAGAACCCCTGCATCGTGTGTGCGGACGCTGACTGTGAGTCTCTGCCCTCCTGGGC-3'
Protein context (NP_000684.2, residues 272-292): SNLKRVTLEL[Gly282Ala]GKNPCIVCAD